The following is an entry in ClinVar:

ClinVar aggregate classification (germline): Conflicting classifications of pathogenicity. Review status: criteria provided, conflicting classifications (1 of 4 stars). 2 submissions from 2 submitters: Uncertain significance (1); Likely benign (1). Last evaluated 2025-05-01.

gnomAD v4.1: 29 of 1,206,287 alleles (0.0024%); highest among the groups gnomAD compares: Middle Eastern, 0.023%; no homozygotes.

Submissions (2):

CeGaT Center for Human Genetics Tuebingen
Classification: Likely benign. Last evaluated: 2025-05-01. Review status: criteria provided, single submitter. Criteria: CeGaT Center For Human Genetics Tuebingen Variant Classification Criteria Version 2. Collection method: clinical testing. Allele origin: germline. Affected: yes. Observed: 1 variant allele.
Comment: MBTPS2: BS2

Labcorp Genetics (formerly Invitae), Labcorp
Classification: Uncertain significance. Last evaluated: 2025-04-14. Review status: criteria provided, single submitter. Criteria: Invitae Variant Classification Sherloc (09022015). Collection method: clinical testing. Allele origin: germline.
Comment: This sequence change replaces serine, which is neutral and polar, with isoleucine, which is neutral and non-polar, at codon 380 of the MBTPS2 protein (p.Ser380Ile). This variant is present in population databases (rs777215127, gnomAD 0.005%). This variant has not been reported in the literature in individuals affected with MBTPS2-related conditions. ClinVar contains an entry for this variant (Variation ID: 3608042). Invitae Evidence Modeling of protein sequence and biophysical properties (such as structural, functional, and spatial information, amino acid conservation, physicochemical variation, residue mobility, and thermodynamic stability) indicates that this missense variant is not expected to disrupt MBTPS2 protein function with a negative predictive value of 95%. In summary, the available evidence is currently insufficient to determine the role of this variant in disease. Therefore, it has been classified as a Variant of Uncertain Significance.

NM_015884.4(MBTPS2):c.1139G>T (p.Ser380Ile)

Gene: MBTPS2 (membrane bound transcription factor peptidase, site 2; plus strand). Cytogenetic location: Xp22.12.
Variant type: single nucleotide variant.
Coding change: c.1139G>T on transcript NM_015884.4 (MANE Select); coding-DNA position 1139, G replaced by T.
Protein change: p.Ser380Ile; replaces serine 380 with isoleucine.
Molecular consequence: missense variant.
Genome position (GRCh38, 1-based): chrX:21,878,570, G>T. VCF-style: chrX-21878570-G-T. GRCh37 (hg19) VCF-style: chrX-21896688-G-T.
Other names: short protein forms S380I.
Identifiers: ClinVar variation 3608042 (VCV003608042.12).